The following is an entry in ClinVar:

NM_014425.5(INVS):c.2686G>C (p.Val896Leu)

Gene: INVS (inversin; plus strand). Cytogenetic location: 9q31.1.
Variant type: single nucleotide variant.
Coding change: c.2686G>C on transcript NM_014425.5 (MANE Select); coding-DNA position 2686, G replaced by C.
Protein change: p.Val896Leu; replaces valine 896 with leucine.
Molecular consequence: missense variant. On other transcripts: non-coding transcript variant (1).
Genome position (GRCh38, 1-based): chr9:100,292,943, G>C. VCF-style: chr9-100292943-G-C. GRCh37 (hg19) VCF-style: chr9-103055225-G-C.
Other names: c.2686G>C (NM_014425.4, NM_014425.3); c.2398G>C, p.Val800Leu (NM_001318381.2); c.1708G>C, p.Val570Leu (NM_001318382.2); short protein forms V800L, V896L, V570L.
Identifiers: ClinVar variation 1035536 (VCV001035536.10), dbSNP rs114847355, ClinGen allele CA5158676.
Genomic context (GRCh38, chr9:100,292,943, plus strand): 5'-GAGACTGATCCAGCACCTGGTCCCCTCTCTGGGCAGAGTGTGAATATTGACCTTCTCCCC[G>C]TAGAGCTCCGACTGCAGATAATTCAGAGAGAACGAAGGAGGAAGGAGCTGTTTCGCAAAA-3'
Protein context (NP_055240.2, residues 886-906): GQSVNIDLLP[Val896Leu]ELRLQIIQRE

ClinVar aggregate classification (germline): Uncertain significance. Review status: criteria provided, multiple submitters, no conflicts (2 of 4 stars). 5 submissions from 5 submitters: Uncertain significance (5). Last evaluated 2026-04-22.

Conditions:
INVS-related disorder. Also called: INVS-related condition.
Nephronophthisis. Also called: Juvenile Nephronophthisis. Identifiers: Orphanet 655, MedGen C0687120, MONDO:0019005, HP:0000090.
Infantile nephronophthisis (NPHP2). Also called: Nephronophthisis 2; Nephronophthisis 2, infantile. Identifiers: Orphanet 655, Orphanet 93591, MedGen C1865872, MONDO:0011190, OMIM 602088.

Allele frequency attached by ClinVar (database versions not stated): TOPMed 0.00003.
gnomAD v4.1: 28 of 1,613,084 alleles (0.0017%); highest among the groups gnomAD compares: Admixed American, 0.013%; no homozygotes.

Submissions (5):

PreventionGenetics, part of Exact Sciences
Classification: Uncertain significance for INVS-related condition. Last evaluated: 2026-04-22. Review status: criteria provided, single submitter. Criteria: ACMG Guidelines, 2015. Collection method: clinical testing. Allele origin: germline.
Comment: The INVS c.2686G>C variant is predicted to result in the amino acid substitution p.Val896Leu. To our knowledge, this variant has not been reported in the literature. A different missense variant affecting the same residue (c.2686G>A; p.Val896Ile) has been associated with juvenile nephronophthisis (Tang. 2019. PubMed ID: 31131822; Rao. 2019. PubMed ID: 31328266). The c.2686G>C (p.Val896Leu) variant is reported in 0.0080% of alleles in individuals of European (Finnish) descent in gnomAD. At this time, the clinical significance of this variant is uncertain due to the absence of conclusive functional and genetic evidence.

Labcorp Genetics (formerly Invitae), Labcorp
Classification: Uncertain significance for Nephronophthisis. Last evaluated: 2025-03-17. Review status: criteria provided, single submitter. Criteria: Invitae Variant Classification Sherloc (09022015). Collection method: clinical testing. Allele origin: germline.
Comment: This sequence change replaces valine, which is neutral and non-polar, with leucine, which is neutral and non-polar, at codon 896 of the INVS protein (p.Val896Leu). This variant is present in population databases (rs114847355, gnomAD 0.008%). This variant has not been reported in the literature in individuals affected with INVS-related conditions. ClinVar contains an entry for this variant (Variation ID: 1035536). An algorithm developed to predict the effect of missense changes on protein structure and function outputs the following: PolyPhen-2: "Benign". The leucine amino acid residue is found in multiple mammalian species, which suggests that this missense change does not adversely affect protein function. In summary, the available evidence is currently insufficient to determine the role of this variant in disease. Therefore, it has been classified as a Variant of Uncertain Significance.

GeneDx
Classification: Uncertain significance. Last evaluated: 2024-05-20. Review status: criteria provided, single submitter. Criteria: GeneDx Variant Classification Process June 2021. Collection method: clinical testing. Allele origin: germline. Affected: yes.
Comment: In silico analysis indicates that this missense variant does not alter protein structure/function; Has not been previously published as pathogenic or benign to our knowledge

Fulgent Genetics
Classification: Uncertain significance for Infantile nephronophthisis. Last evaluated: 2024-05-15. Review status: criteria provided, single submitter. Criteria: ACMG Guidelines, 2015. Collection method: clinical testing. Allele origin: germline.

Blueprint Genetics
Classification: Uncertain significance. Last evaluated: 2024-01-08. Review status: criteria provided, single submitter. Criteria: ACMG Guidelines, 2015. Collection method: clinical testing. Allele origin: germline.